The following is an entry in ClinVar:

ClinVar aggregate classification (germline): Uncertain significance. Review status: criteria provided, multiple submitters, no conflicts (2 of 4 stars). 4 submissions from 4 submitters: Uncertain significance (4). Last evaluated 2025-09-22.

Conditions:
Autosomal recessive nonsyndromic hearing loss 77. Identifiers: Orphanet 90636, MedGen C2746083, MONDO:0013119, OMIM 613079.
Inborn genetic diseases. Identifiers: MedGen C0950123, MeSH D030342.

Allele frequency attached by ClinVar (database versions not stated): ExAC below 0.00001; TOPMed 0.00003.

Submissions (4):

Ambry Genetics
Classification: Uncertain significance for Inborn genetic diseases. Last evaluated: 2025-09-22. Review status: criteria provided, single submitter. Criteria: Ambry Variant Classification Scheme 2023. Collection method: clinical testing. Allele origin: germline.

Dasa
Classification: Uncertain significance. Last evaluated: 2025-08-11. Review status: criteria provided, single submitter. Criteria: DASA Assertion Criteria. Collection method: clinical testing. Allele origin: germline.
Comment: NM_001384474.1(LOXHD1):c.6779G>C (p.Arg2260Pro) is a missense variant that results in the substitution of arginine with proline. This variant is rare in population databases. The currently available literature and clinical evidence are not sufficient to establish a definitive association between this variant and the reported condition. Therefore, this variant is classified as a variant of uncertain significance.

Labcorp Genetics (formerly Invitae), Labcorp
Classification: Uncertain significance. Last evaluated: 2022-06-04. Review status: criteria provided, single submitter. Criteria: Invitae Variant Classification Sherloc (09022015). Collection method: clinical testing. Allele origin: germline.
Comment: This sequence change replaces arginine, which is basic and polar, with proline, which is neutral and non-polar, at codon 2198 of the LOXHD1 protein (p.Arg2198Pro). This variant is present in population databases (rs753209859, gnomAD 0.002%). This variant has not been reported in the literature in individuals affected with LOXHD1-related conditions. ClinVar contains an entry for this variant (Variation ID: 889097). Algorithms developed to predict the effect of missense changes on protein structure and function are either unavailable or do not agree on the potential impact of this missense change (SIFT: "Tolerated"; PolyPhen-2: "Possibly Damaging"; Align-GVGD: "Class C0"). In summary, the available evidence is currently insufficient to determine the role of this variant in disease. Therefore, it has been classified as a Variant of Uncertain Significance.

Illumina Laboratory Services, Illumina
Classification: Uncertain significance for Autosomal recessive nonsyndromic hearing loss 77. Last evaluated: 2018-01-12. Review status: criteria provided, single submitter. Criteria: ICSL Variant Classification Criteria 13 December 2019. Collection method: clinical testing. Allele origin: germline.

NM_001384474.1(LOXHD1):c.6779G>C (p.Arg2260Pro)

Gene: LOXHD1 (lipoxygenase homology PLAT domains 1; minus strand). Cytogenetic location: 18q21.1.
Variant type: single nucleotide variant.
Coding change: c.6779G>C on transcript NM_001384474.1 (MANE Select); coding-DNA position 6779, G replaced by C.
Protein change: p.Arg2260Pro; replaces arginine 2260 with proline.
Molecular consequence: missense variant. On other transcripts: intron variant (3).
Genome position (GRCh38, 1-based): chr18:46,477,515, C>G on the plus strand (G>C on the coding strand, the complement: LOXHD1 is on the minus strand). VCF-style: chr18-46477515-C-G. GRCh37 (hg19) VCF-style: chr18-44057478-C-G.
Other names: c.1496G>C, p.Arg499Pro (NM_001145473.3); c.6593G>C, p.Arg2198Pro (NM_144612.7); c.3307+139G>C (NM_001145472.3); c.3033+125G>C (NM_001308013.2); c.1371+125G>C (NM_001173129.2); short protein forms R2198P, R499P, R2260P.
Identifiers: ClinVar variation 889097 (VCV000889097.8), dbSNP rs753209859, ClinGen allele CA8952008.